The following is an entry in ClinVar:

ClinVar aggregate classification (germline): Likely benign (1 of 4 stars; one submission).

Allele frequency attached by ClinVar (database versions not stated): ExAC 0.00033; 1000 Genomes Project 30x 0.00062; 1000 Genomes Project 0.00080; ESP Exome Variant Server 0.00092; gnomAD 0.00094; TOPMed 0.00117.
gnomAD v4.1: 322 of 1,613,138 alleles (0.02%); highest among the groups gnomAD compares: African/African-American, 0.36%; no homozygotes.

Submission:

CeGaT Center for Human Genetics Tuebingen
Classification: Likely benign. Last evaluated: 2023-01-01. Review status: criteria provided, single submitter. Criteria: CeGaT Center For Human Genetics Tuebingen Variant Classification Criteria Version 2. Collection method: clinical testing. Allele origin: germline. Affected: yes. Observed: 1 variant allele.
Comment: PLEKHH2: BP4, BP7

NM_172069.4(PLEKHH2):c.651G>A (p.Ser217=)

Gene: PLEKHH2 (pleckstrin homology, MyTH4 and FERM domain containing H2; plus strand). Cytogenetic location: 2p21.
Variant type: single nucleotide variant.
Coding change: c.651G>A on transcript NM_172069.4 (MANE Select); coding-DNA position 651, G replaced by A.
Protein change: p.Ser217=; no amino-acid change (serine 217 retained).
Molecular consequence: synonymous variant.
Genome position (GRCh38, 1-based): chr2:43,697,319, G>A. VCF-style: chr2-43697319-G-A. GRCh37 (hg19) VCF-style: chr2-43924458-G-A.
Identifiers: ClinVar variation 2650859 (VCV002650859.24), dbSNP rs148501101, ClinGen allele CA1634307.